The following is an entry in ClinVar:

ClinVar aggregate classification (germline): Benign/Likely benign. Review status: criteria provided, multiple submitters, no conflicts (2 of 4 stars). 8 submissions from 8 submitters: Benign (4); Likely benign (1). 3 of the submissions do not count toward it. Last evaluated 2026-02-03.

Conditions:
Inborn genetic diseases. Identifiers: MedGen C0950123, MeSH D030342.

Allele frequency attached by ClinVar (database versions not stated): 1000 Genomes Project 0.06410; 1000 Genomes Project 30x 0.06621; gnomAD exomes 0.07067 and 0.07978; ExAC 0.07237; gnomAD 0.08550 and 0.08885; TOPMed 0.09124; ESP Exome Variant Server 0.09388.
gnomAD v4.1: 129,798 of 1,614,090 alleles (8%); highest among the groups gnomAD compares: African/African-American, 11%; 5,720 homozygotes.

Submissions (8):

Labcorp Genetics (formerly Invitae), Labcorp
Classification: Benign. Last evaluated: 2026-02-03. Review status: criteria provided, single submitter. Criteria: Invitae Variant Classification Sherloc (09022015). Collection method: clinical testing. Allele origin: germline.

Blueprint Genetics
Classification: Benign. Last evaluated: 2024-11-27. Review status: criteria provided, single submitter. Criteria: ACMG Guidelines, 2015. Collection method: clinical testing. Allele origin: germline.

GeneDx
Classification: Benign. Last evaluated: 2018-07-09. Review status: criteria provided, single submitter. Criteria: GeneDx Variant Classification Process June 2021. Collection method: clinical testing. Allele origin: germline. Affected: yes.

Ambry Genetics
Classification: Benign for Inborn genetic diseases. Last evaluated: 2016-04-14. Review status: criteria provided, single submitter. Criteria: Ambry Variant Classification Scheme 2023. Collection method: clinical testing. Allele origin: germline.

Breakthrough Genomics
Classification: Likely benign. Review status: criteria provided, single submitter. Criteria: ACMG Guidelines, 2015. Collection method: not provided. Allele origin: germline. Inheritance: Autosomal recessive inheritance. Affected: yes.

Diagnostic Laboratory, Department of Genetics, University Medical Center Groningen
Classification: Benign. Review status: no assertion criteria provided. Collection method: clinical testing. Allele origin: germline. Affected: yes. Study: VKGL Data-share Consensus. Not counted in ClinVar's aggregate classification.

Genetic Services Laboratory, University of Chicago
Classification: Likely benign for AllHighlyPenetrant. Review status: no assertion criteria provided. Collection method: clinical testing. Allele origin: germline. Inheritance: Autosomal recessive inheritance. Not counted in ClinVar's aggregate classification.
Comment: Likely benign based on allele frequency in 1000 Genomes Project or ESP global frequency and its presence in a patient with a rare or unrelated disease phenotype. NOT Sanger confirmed.

Joint Genome Diagnostic Labs from Nijmegen and Maastricht, Radboudumc and MUMC+
Classification: Benign. Review status: no assertion criteria provided. Collection method: clinical testing. Allele origin: germline. Affected: yes. Study: VKGL Data-share Consensus. Not counted in ClinVar's aggregate classification.

NM_001160372.4(TRAPPC9):c.399T>C (p.Ala133=)

Gene: TRAPPC9 (trafficking protein particle complex subunit 9; minus strand). Cytogenetic location: 8q24.3.
Variant type: single nucleotide variant.
Coding change: c.399T>C on transcript NM_001160372.4 (MANE Select); coding-DNA position 399, T replaced by C.
Protein change: p.Ala133=; no amino-acid change (alanine 133 retained).
Molecular consequence: synonymous variant. On other transcripts: non-coding transcript variant (1).
Genome position (GRCh38, 1-based): chr8:140,450,975, A>G on the plus strand (T>C on the coding strand, the complement: TRAPPC9 is on the minus strand). VCF-style: chr8-140450975-A-G. GRCh37 (hg19) VCF-style: chr8-141461074-A-G.
Other names: c.399T>C, p.Ala133= (NM_001321646.2, NM_001374682.1, NM_001374683.1 and 2 more transcripts).
Identifiers: ClinVar variation 130638 (VCV000130638.31), dbSNP rs61739560, ClinGen allele CA155800.
Genomic context (GRCh38, chr8:140,450,975, plus strand): 5'-CTCGATGAAGTCCTCGATTCTCTTCTCCACCGTCTGGCAGTCCTCGTAGTTGGGGTAGAA[A>G]GCCACGTCGGTGCGCGGCTGCTCCACGATCTCCCCCTGCAGCCCGAAGACAAAGAGCCGG-3'
Protein context (NP_001153844.1, residues 123-143): EIVEQPRTDV[Ala133=]FYPNYEDCQT